The following is an entry in ClinVar:

ClinVar aggregate classification (germline): Pathogenic/Likely pathogenic. Review status: criteria provided, multiple submitters, no conflicts (2 of 4 stars). 2 submissions from 2 submitters: Pathogenic (1); Likely pathogenic (1). Last evaluated 2026-04-30.

Conditions:
Autosomal recessive nonsyndromic hearing loss 3. Also called: NEUROSENSORY NONSYNDROMIC RECESSIVE DEAFNESS 3. Identifiers: Orphanet 90636, MedGen C1838263, MONDO:0010860, OMIM 600316.

Submissions (2):

Laboratory of Molecular, Cellular and Translation Genetics in Otolaryngology/ Lim32-hcfmusp, University of Sao Paulo School of Medicine Clinics Hospital
Classification: Likely pathogenic for Autosomal recessive nonsyndromic hearing loss 3. Last evaluated: 2026-04-30. Review status: criteria provided, single submitter. Criteria: ClinGen HL ACMG Specifications v1. Collection method: research. Allele origin: germline. Affected: yes.
Comment: NM_016239.4.762C>G (p.Tyr254)*. This variant has been classified as likely pathogenic. It is rare in population databases (PM2) and represents a nonsense loss-of-function variant in MYO15A, a gene in which loss of function is an established disease mechanism (PVS1). It has been previously reported in trans with pathogenic MYO15A variants (PM3). These findings support its role in autosomal recessive hearing loss.

Labcorp Genetics (formerly Invitae), Labcorp
Classification: Pathogenic. Last evaluated: 2022-01-28. Review status: criteria provided, single submitter. Criteria: Invitae Variant Classification Sherloc (09022015). Collection method: clinical testing. Allele origin: germline.
Comment: For these reasons, this variant has been classified as Pathogenic. Algorithms developed to predict the effect of sequence changes on RNA splicing suggest that this variant may create or strengthen a splice site. This variant has not been reported in the literature in individuals affected with MYO15A-related conditions. This variant is not present in population databases (gnomAD no frequency). This sequence change creates a premature translational stop signal (p.Tyr254*) in the MYO15A gene. It is expected to result in an absent or disrupted protein product. Loss-of-function variants in MYO15A are known to be pathogenic (PMID: 17546645).

Literature cited by the submitters: PubMed 42233699 (cited by Laboratory of Molecular, Cellular and Translation Genetics in Otolaryngology/ Lim32-hcfmusp, University of Sao Paulo School of Medicine Clinics Hospital); PubMed 17546645 (cited by Labcorp Genetics (formerly Invitae), Labcorp).

NM_016239.4(MYO15A):c.762C>G (p.Tyr254Ter)

Gene: MYO15A (myosin XVA; plus strand). Cytogenetic location: 17p11.2.
Variant type: single nucleotide variant.
Coding change: c.762C>G on transcript NM_016239.4 (MANE Select); coding-DNA position 762, C replaced by G.
Protein change: p.Tyr254Ter; replaces tyrosine 254 with a stop codon.
Molecular consequence: nonsense.
Genome position (GRCh38, 1-based): chr17:18,119,562, C>G. VCF-style: chr17-18119562-C-G. GRCh37 (hg19) VCF-style: chr17-18022876-C-G.
Other names: short protein forms Y254*.
Identifiers: ClinVar variation 2090747 (VCV002090747.5), dbSNP rs2545176258, ClinGen allele CA398575745.
Genomic context (GRCh38, chr17:18,119,562, plus strand): 5'-GTATTATGACTATCACCGCGACGGCGACGACTACTACGACCGGCAGTCACTCCACCGCTA[C>G]GAGGAGCAGGAACCCTACCTGGCGGGCCTCGGCCCCTACAGCCCGGCCTGGCCACCCTAC-3'